The following is an entry in ClinVar:

NM_017950.4(CCDC40):c.3181-103C>T

Gene: CCDC40 (coiled-coil domain 40 molecular ruler complex subunit; plus strand). Cytogenetic location: 17q25.3.
Variant type: single nucleotide variant.
Coding change: c.3181-103C>T on transcript NM_017950.4 (MANE Select); 103 bases into the intron before coding-DNA position 3181, C replaced by T.
Molecular consequence: intron variant.
Genome position (GRCh38, 1-based): chr17:80,099,424, C>T. VCF-style: chr17-80099424-C-T. GRCh37 (hg19) VCF-style: chr17-78073223-C-T.
Identifiers: ClinVar variation 1706937 (VCV001706937.2), dbSNP rs183227277, ClinGen allele CA294880678.

ClinVar aggregate classification (germline): Likely benign (1 of 4 stars; one submission).

Allele frequency attached by ClinVar (database versions not stated): gnomAD exomes 0.00038; gnomAD 0.00334; 1000 Genomes Project 0.00399; TOPMed 0.00409; 1000 Genomes Project 30x 0.00422.
gnomAD v4.1: 998 of 1,374,488 alleles (0.073%); highest among the groups gnomAD compares: African/African-American, 1.2%; 3 homozygotes.

Submission:

GeneDx
Classification: Likely benign. Last evaluated: 2021-05-27. Review status: criteria provided, single submitter. Criteria: GeneDx Variant Classification Process June 2021. Collection method: clinical testing. Allele origin: germline. Affected: yes.
Comment: See Variant Classification Assertion Criteria.